The following is an entry in ClinVar:

NM_015272.5(RPGRIP1L):c.322A>G (p.Met108Val)

Gene: RPGRIP1L (RPGRIP1 like; minus strand). Cytogenetic location: 16q12.2.
Variant type: single nucleotide variant.
Coding change: c.322A>G on transcript NM_015272.5 (MANE Select); coding-DNA position 322, A replaced by G.
Protein change: p.Met108Val; replaces methionine 108 with valine.
Molecular consequence: missense variant.
Genome position (GRCh38, 1-based): chr16:53,692,273, T>C on the plus strand (A>G on the coding strand, the complement: RPGRIP1L is on the minus strand). VCF-style: chr16-53692273-T-C. GRCh37 (hg19) VCF-style: chr16-53726185-T-C.
Other names: c.322A>G, p.Met108Val (NM_001127897.4, NM_001308334.3, NM_001330538.2); short protein forms M108V.
Identifiers: ClinVar variation 1369346 (VCV001369346.6), dbSNP rs1970437847, ClinGen allele CA395925078.

ClinVar aggregate classification (germline): Uncertain significance. Review status: criteria provided, multiple submitters, no conflicts (2 of 4 stars). 2 submissions from 2 submitters: Uncertain significance (2). Last evaluated 2024-04-04.

Conditions:
Joubert syndrome. Also called: CEREBELLOPARENCHYMAL DISORDER IV; JOUBERT-BOLTSHAUSER SYNDROME; Familial aplasia of the vermis. Identifiers: Orphanet 475, MedGen C5979921, MONDO:0018772.
Meckel-Gruber syndrome. Also called: DYSENCEPHALIA SPLANCHNOCYSTICA; GRUBER SYNDROME; Dysencephalia splachnocystica. Identifiers: Orphanet 564, MedGen C0265215, MONDO:0018921.
Meckel syndrome, type 5 (MKS5). Identifiers: Orphanet 564, MedGen C1969052, MONDO:0012695, OMIM 611561.
COACH syndrome 3. Identifiers: MedGen C5436841, MONDO:0030862, OMIM 619113.
Joubert syndrome 7 (JBTS7). Identifiers: Orphanet 220497, MedGen C1969053, MONDO:0012694, OMIM 611560.

Allele frequency attached by ClinVar (database versions not stated): gnomAD exomes below 0.00001; TOPMed below 0.00001.

Submissions (2):

Fulgent Genetics
Classification: Uncertain significance for Joubert syndrome 7; Meckel syndrome, type 5; COACH syndrome 3. Last evaluated: 2024-04-04. Review status: criteria provided, single submitter. Criteria: ACMG Guidelines, 2015. Collection method: clinical testing. Allele origin: germline.

Labcorp Genetics (formerly Invitae), Labcorp
Classification: Uncertain significance for Joubert syndrome; Meckel-Gruber syndrome. Last evaluated: 2021-08-24. Review status: criteria provided, single submitter. Criteria: Invitae Variant Classification Sherloc (09022015). Collection method: clinical testing. Allele origin: germline.
Comment: This sequence change replaces methionine with valine at codon 108 of the RPGRIP1L protein (p.Met108Val). The methionine residue is moderately conserved and there is a small physicochemical difference between methionine and valine. This variant is not present in population databases (ExAC no frequency). This variant has not been reported in the literature in individuals affected with RPGRIP1L-related conditions. Algorithms developed to predict the effect of missense changes on protein structure and function are either unavailable or do not agree on the potential impact of this missense change (SIFT: "Deleterious"; PolyPhen-2: "Benign"; Align-GVGD: "Class C0"). In summary, the available evidence is currently insufficient to determine the role of this variant in disease. Therefore, it has been classified as a Variant of Uncertain Significance.